The following is an entry in ClinVar:

ClinVar aggregate classification (germline): Conflicting classifications of pathogenicity. Review status: criteria provided, conflicting classifications (1 of 4 stars). 6 submissions from 6 submitters: Uncertain significance (1); Likely benign (4). 1 of the submissions does not count toward it. Last evaluated 2025-11-10.

Conditions:
Frasier syndrome. Identifiers: Orphanet 347, MedGen C0950122, MeSH D052159, MONDO:0007635, OMIM 136680.
Drash syndrome (DDS). Also called: NEPHROPATHY, WILMS TUMOR, AND GENITAL ANOMALIES; WILMS TUMOR AND PSEUDO- OR TRUE HERMAPHRODITISM. Identifiers: Orphanet 220, MedGen C0950121, MONDO:0008682, OMIM 194080.
Wilms tumor 1 (WT1). Also called: Wilms tumor, somatic. Identifiers: Orphanet 654, MedGen CN033288, MONDO:0008679, OMIM 194070.
11p partial monosomy syndrome (WAGR). Also called: WAGR syndrome; WAGR Complex; CHROMOSOME 11p13 DELETION SYNDROME; WAGR Spectrum Disorder. Identifiers: Orphanet 893, MedGen C0206115, MONDO:0008681, OMIM 194072.
Inborn genetic diseases. Identifiers: MedGen C0950123, MeSH D030342.
WT1-related disorder. Also called: WT1-related disorders. Identifiers: MedGen CN377814.

Allele frequency attached by ClinVar (database versions not stated): ExAC 0.00001; gnomAD 0.00001; gnomAD exomes 0.00001 and 0.00002; TOPMed 0.00001.
gnomAD v4.1: 35 of 1,614,054 alleles (0.0022%); highest among the groups gnomAD compares: Non-Finnish European, 0.0028%; no homozygotes.

Submissions (6):

Labcorp Genetics (formerly Invitae), Labcorp
Classification: Likely benign for Wilms tumor 1; Drash syndrome; 11p partial monosomy syndrome; Frasier syndrome. Last evaluated: 2025-11-10. Review status: criteria provided, single submitter. Criteria: Invitae Variant Classification Sherloc (09022015). Collection method: clinical testing. Allele origin: germline.

Ambry Genetics
Classification: Likely benign for Inborn genetic diseases. Last evaluated: 2024-12-02. Review status: criteria provided, single submitter. Criteria: Ambry Variant Classification Scheme 2023. Collection method: clinical testing. Allele origin: germline.

All of Us Research Program, National Institutes of Health
Classification: Likely benign for Wilms tumor 1. Last evaluated: 2024-01-11. Review status: criteria provided, single submitter. Criteria: ACMG Guidelines, 2015. Collection method: clinical testing. Allele origin: germline. Inheritance: Autosomal dominant inheritance. Observed: 3 variant alleles, 3 heterozygotes.
Comment: This study involves interpretation of variants in research participants for the purpose of population health screening. Participant phenotype was not available at the time of variant classification. Additional details can be found in publication PMID: 35346344, PMCID: PMC8962531

GeneDx
Classification: Uncertain significance. Last evaluated: 2023-11-21. Review status: criteria provided, single submitter. Criteria: GeneDx Variant Classification Process June 2021. Collection method: clinical testing. Allele origin: germline. Affected: yes.
Comment: Not observed at significant frequency in large population cohorts (gnomAD); In silico analysis supports that this variant does not alter splicing; Has not been previously published as pathogenic or benign to our knowledge

Color Diagnostics, LLC DBA Color Health
Classification: Likely benign for Wilms tumor 1. Last evaluated: 2023-06-22. Review status: criteria provided, single submitter. Criteria: ACMG Guidelines, 2015. Collection method: clinical testing. Allele origin: germline.

PreventionGenetics, part of Exact Sciences
Classification: Likely benign for WT1-related condition. Last evaluated: 2024-07-25. Review status: no assertion criteria provided. Collection method: clinical testing. Allele origin: germline. Not counted in ClinVar's aggregate classification.
Comment: This variant is classified as likely benign based on ACMG/AMP sequence variant interpretation guidelines (Richards et al. 2015 PMID: 25741868, with internal and published modifications).

NM_024426.6(WT1):c.1434T>C (p.His478=)

Gene: WT1 (WT1 transcription factor; minus strand). Cytogenetic location: 11p13.
Variant type: single nucleotide variant.
Coding change: c.1434T>C on transcript NM_024426.6 (MANE Select); coding-DNA position 1434, T replaced by C.
Protein change: p.His478=; no amino-acid change (histidine 478 retained).
Molecular consequence: synonymous variant. On other transcripts: non-coding transcript variant (2), intron variant (2).
Genome position (GRCh38, 1-based): chr11:32,391,985, A>G on the plus strand (T>C on the coding strand, the complement: WT1 is on the minus strand). VCF-style: chr11-32391985-A-G. GRCh37 (hg19) VCF-style: chr11-32413531-A-G.
Other names: c.1383T>C, p.His461= (NM_000378.6, NM_001407045.1); c.783T>C, p.His261= (NM_001198551.2); c.732T>C, p.His244= (NM_001198552.2); c.246T>C, p.His82= (NM_001367854.1); c.1428T>C, p.His476= (NM_001407044.1); c.1311T>C, p.His437= (NM_001407047.1); c.1293T>C, p.His431= (NM_001407048.1); c.1260T>C, p.His420= (NM_001407050.1); and 5 more.
Identifiers: ClinVar variation 698941 (VCV000698941.17), dbSNP rs761414130, ClinGen allele CA064550.